The following is an entry in ClinVar:

ClinVar aggregate classification (germline): Uncertain significance. Review status: criteria provided, multiple submitters, no conflicts (2 of 4 stars). 2 submissions from 2 submitters: Uncertain significance (2). Last evaluated 2024-05-10.

Conditions:
Hereditary cancer-predisposing syndrome. Also called: Tumor predisposition; Hereditary neoplastic syndrome; Neoplastic Syndromes, Hereditary; Hereditary Cancer Syndrome. Identifiers: Orphanet 140162, MedGen C0027672, MeSH D009386, MONDO:0015356.

Submissions (2):

Ambry Genetics
Classification: Uncertain significance for Hereditary cancer-predisposing syndrome. Last evaluated: 2024-05-10. Review status: criteria provided, single submitter. Criteria: Ambry Variant Classification Scheme 2023. Collection method: clinical testing. Allele origin: germline.
Comment: The p.M669L variant (also known as c.2005A>T), located in coding exon 9 of the BRCA1 gene, results from an A to T substitution at nucleotide position 2005. The methionine at codon 669 is replaced by leucine, an amino acid with highly similar properties. This amino acid position is not well conserved in available vertebrate species. In addition, this alteration is predicted to be tolerated by in silico analysis. Based on the available evidence, the clinical significance of this variant remains unclear.

Women's Health and Genetics/Laboratory Corporation of America, LabCorp
Classification: Uncertain significance. Last evaluated: 2023-08-31. Review status: criteria provided, single submitter. Criteria: LabCorp Variant Classification Summary - May 2015. Collection method: clinical testing. Allele origin: germline.
Comment: Variant summary: BRCA1 c.2005A>T (p.Met669Leu) results in a conservative amino acid change in the encoded protein sequence. Five of five in-silico tools predict a benign effect of the variant on protein function. The variant was absent in 251274 control chromosomes (gnomAD). The available data on variant occurrences in the general population are insufficient to allow any conclusion about variant significance. To our knowledge, c.2005A>T has not been reported in the literature in individuals affected with Hereditary Breast And Ovarian Cancer Syndrome and no experimental evidence demonstrating an impact on protein function has been reported. The following publication has been ascertained in the context of this evaluation (PMID: 19370767). No submitters have cited clinical-significance assessments for this variant to ClinVar after 2014. Based on the evidence outlined above, the variant was classified as uncertain significance.

Literature cited by the submitters: PubMed 19370767 (cited by Women's Health and Genetics/Laboratory Corporation of America, LabCorp).

NM_007294.4(BRCA1):c.2005A>T (p.Met669Leu)

Gene: BRCA1 (BRCA1 DNA repair associated; minus strand). Cytogenetic location: 17q21.31.
Variant type: single nucleotide variant.
Coding change: c.2005A>T on transcript NM_007294.4 (MANE Select); coding-DNA position 2005, A replaced by T.
Protein change: p.Met669Leu; replaces methionine 669 with leucine.
Molecular consequence: missense variant. On other transcripts: intron variant (137).
Genome position (GRCh38, 1-based): chr17:43,093,526, T>A on the plus strand (A>T on the coding strand, the complement: BRCA1 is on the minus strand). VCF-style: chr17-43093526-T-A. GRCh37 (hg19) VCF-style: chr17-41245543-T-A.
Other names: c.1672A>T, p.Met558Leu (NM_001407950.1, NM_001407951.1, NM_001407952.1 and 6 more transcripts); c.1669A>T, p.Met557Leu (NM_001407954.1, NM_001407956.1, NM_001407955.1 and 1 more transcripts); c.1624A>T, p.Met542Leu (NM_001407960.1, NM_001407959.1, NM_001407963.1); c.1621A>T, p.Met541Leu (NM_001407962.1); c.1792A>T, p.Met598Leu (NM_001407571.1, NM_001407853.1, NM_001407894.1 and 9 more transcripts); c.2005A>T, p.Met669Leu (NM_001407581.1, NM_001407582.1, NM_001407583.1 and 30 more transcripts); c.2002A>T, p.Met668Leu (NM_001407587.1, NM_001407590.1, NM_001407591.1 and 22 more transcripts); c.1996A>T, p.Met666Leu (NM_001407646.1, NM_001407647.1); and 40 more; short protein forms M373L, M501L, M541L, M542L, M557L, M558L, M580L, M581L.
Identifiers: ClinVar variation 2581472 (VCV002581472.2), dbSNP rs561988641, ClinGen allele CA10598002.